The following is an entry in ClinVar:

ClinVar aggregate classification (germline): Uncertain significance (1 of 4 stars; one submission).

Conditions:
Spastic paraplegia. Identifiers: MedGen C0037772, HP:0001258.

Allele frequency attached by ClinVar (database versions not stated): ExAC 0.00001; gnomAD exomes 0.00001.

Submission:

Labcorp Genetics (formerly Invitae), Labcorp
Classification: Uncertain significance for Spastic paraplegia. Last evaluated: 2024-05-15. Review status: criteria provided, single submitter. Criteria: Invitae Variant Classification Sherloc (09022015). Collection method: clinical testing. Allele origin: germline.
Comment: This sequence change replaces asparagine, which is neutral and polar, with serine, which is neutral and polar, at codon 1895 of the SACS protein (p.Asn1895Ser). This variant is present in population databases (rs775636952, gnomAD 0.003%). This variant has not been reported in the literature in individuals affected with SACS-related conditions. ClinVar contains an entry for this variant (Variation ID: 2171681). Advanced modeling of protein sequence and biophysical properties (such as structural, functional, and spatial information, amino acid conservation, physicochemical variation, residue mobility, and thermodynamic stability) performed at Invitae indicates that this missense variant is not expected to disrupt SACS protein function with a negative predictive value of 95%. In summary, the available evidence is currently insufficient to determine the role of this variant in disease. Therefore, it has been classified as a Variant of Uncertain Significance.

NM_014363.6(SACS):c.5684A>G (p.Asn1895Ser)

Gene: SACS (sacsin molecular chaperone; minus strand). Cytogenetic location: 13q12.12.
Variant type: single nucleotide variant.
Coding change: c.5684A>G on transcript NM_014363.6 (MANE Select); coding-DNA position 5684, A replaced by G.
Protein change: p.Asn1895Ser; replaces asparagine 1895 with serine.
Molecular consequence: missense variant.
Genome position (GRCh38, 1-based): chr13:23,338,192, T>C on the plus strand (A>G on the coding strand, the complement: SACS is on the minus strand). VCF-style: chr13-23338192-T-C. GRCh37 (hg19) VCF-style: chr13-23912331-T-C.
Other names: c.5243A>G, p.Asn1748Ser (NM_001278055.2); short protein forms N1748S, N1895S.
Identifiers: ClinVar variation 2171681 (VCV002171681.4), dbSNP rs775636952, ClinGen allele CA6911211.